The following is an entry in ClinVar:

ClinVar aggregate classification (germline): Conflicting classifications of pathogenicity. Review status: criteria provided, conflicting classifications (1 of 4 stars). 7 submissions from 7 submitters: Uncertain significance (1); Likely benign (6). Last evaluated 2026-01-09.

Conditions:
Joubert syndrome 17 (JBTS17). Identifiers: Orphanet 475, MedGen C3553264, MONDO:0013824, OMIM 614615.

Allele frequency attached by ClinVar (database versions not stated): gnomAD exomes 0.00021; ESP Exome Variant Server 0.00023; TOPMed 0.00025; 1000 Genomes Project 30x 0.00031; 1000 Genomes Project 0.00040.
gnomAD v4.1: 369 of 1,612,272 alleles (0.023%); highest among the groups gnomAD compares: Middle Eastern, 0.68%; 3 homozygotes.

Submissions (7):

Labcorp Genetics (formerly Invitae), Labcorp
Classification: Likely benign. Last evaluated: 2026-01-09. Review status: criteria provided, single submitter. Criteria: Invitae Variant Classification Sherloc (09022015). Collection method: clinical testing. Allele origin: germline.

CeGaT Center for Human Genetics Tuebingen
Classification: Likely benign. Last evaluated: 2024-11-01. Review status: criteria provided, single submitter. Criteria: CeGaT Center For Human Genetics Tuebingen Variant Classification Criteria Version 2. Collection method: clinical testing. Allele origin: germline. Affected: yes. Observed: 3 variant alleles.
Comment: CPLANE1: BP4, BS2

Blueprint Genetics
Classification: Likely benign. Last evaluated: 2024-09-18. Review status: criteria provided, single submitter. Criteria: ACMG Guidelines, 2015. Collection method: clinical testing. Allele origin: germline.

Department of Genetics, Sultan Qaboos University Hospital
Classification: Likely benign for Joubert syndrome 17. Last evaluated: 2024-06-12. Review status: criteria provided, single submitter. Criteria: ACMG Guidelines, 2015. Collection method: clinical testing. Allele origin: germline.

GeneDx
Classification: Likely benign. Last evaluated: 2023-04-06. Review status: criteria provided, single submitter. Criteria: GeneDx Variant Classification Process June 2021. Collection method: clinical testing. Allele origin: germline. Affected: yes.
Comment: See Variant Classification Assertion Criteria.

Revvity Omics, Revvity
Classification: Uncertain significance. Last evaluated: 2022-11-22. Review status: criteria provided, single submitter. Criteria: ACMG Guidelines, 2015. Collection method: clinical testing. Allele origin: germline.

Baylor Genetics
Classification: Likely benign for Joubert syndrome 17. Last evaluated: 2019-07-14. Review status: criteria provided, single submitter. Criteria: ACMG Guidelines, 2015. Collection method: clinical testing. Allele origin: unknown. Affected: yes.
Comment: Multiple unaffected homozygotes in our internal database.

NM_001384732.1(CPLANE1):c.7367C>T (p.Pro2456Leu)

Gene: CPLANE1 (ciliogenesis and planar polarity effector complex subunit 1; minus strand). Cytogenetic location: 5p13.2.
Variant type: single nucleotide variant.
Coding change: c.7367C>T on transcript NM_001384732.1 (MANE Select); coding-DNA position 7367, C replaced by T.
Protein change: p.Pro2456Leu; replaces proline 2456 with leucine.
Molecular consequence: missense variant.
Genome position (GRCh38, 1-based): chr5:37,167,080, G>A on the plus strand (C>T on the coding strand, the complement: CPLANE1 is on the minus strand). VCF-style: chr5-37167080-G-A. GRCh37 (hg19) VCF-style: chr5-37167182-G-A.
Other names: c.7367C>T, p.Pro2456Leu (NM_023073.4); short protein forms P2456L.
Identifiers: ClinVar variation 1030821 (VCV001030821.45), dbSNP rs146595129, ClinGen allele CA3238083.